The following is an entry in ClinVar:

NM_001267550.2(TTN):c.12470C>T (p.Ser4157Phe)

Gene: TTN (titin; minus strand). Cytogenetic location: 2q31.2.
Variant type: single nucleotide variant.
Coding change: c.12470C>T on transcript NM_001267550.2 (MANE Select); coding-DNA position 12470, C replaced by T.
Protein change: p.Ser4157Phe; replaces serine 4157 with phenylalanine.
Molecular consequence: missense variant. On other transcripts: intron variant (1).
Genome position (GRCh38, 1-based): chr2:178,740,763, G>A on the plus strand (C>T on the coding strand, the complement: TTN is on the minus strand). VCF-style: chr2-178740763-G-A. GRCh37 (hg19) VCF-style: chr2-179605490-G-A.
Other names: c.11519C>T, p.Ser3840Phe (NM_001256850.1); c.11381C>T, p.Ser3794Phe (NM_003319.4); c.11756C>T, p.Ser3919Phe (NM_133432.3); c.11957C>T, p.Ser3986Phe (NM_133437.4); c.10361-2403C>T (NM_133378.4); short protein forms S4157F, S3986F, S3794F, S3840F, S3919F.
Identifiers: ClinVar variation 405174 (VCV000405174.4), dbSNP rs771706692, ClinGen allele CA2002707.

ClinVar aggregate classification (germline): Conflicting classifications of pathogenicity. Review status: criteria provided, conflicting classifications (1 of 4 stars). 2 submissions from 2 submitters: Uncertain significance (1); Likely benign (1). Last evaluated 2026-07-01.

Conditions:
Autosomal recessive limb-girdle muscular dystrophy type 2J (LGMDR10). Also called: Limb-girdle muscular dystrophy, type 2J; MUSCULAR DYSTROPHY, LIMB-GIRDLE, AUTOSOMAL RECESSIVE 10. Identifiers: Orphanet 140922, MedGen C1837342, MONDO:0012127, OMIM 608807.
Dilated cardiomyopathy 1G (CMD1G). Identifiers: Orphanet 154, MedGen C1858763, MONDO:0011400, OMIM 604145.

Allele frequency attached by ClinVar (database versions not stated): gnomAD 0.00001; ExAC 0.00002; gnomAD exomes 0.00003.
gnomAD v4.1: 12 of 1,613,570 alleles (0.00074%); highest among the groups gnomAD compares: Admixed American, 0.018%; no homozygotes.

Submissions (2):

CeGaT Center for Human Genetics Tuebingen
Classification: Likely benign. Last evaluated: 2026-07-01. Review status: criteria provided, single submitter. Criteria: CeGaT Center For Human Genetics Tuebingen Variant Classification Criteria Version 2. Collection method: clinical testing. Allele origin: germline. Affected: yes. Observed: 1 variant allele.
Comment: TTN: BP4

Labcorp Genetics (formerly Invitae), Labcorp
Classification: Uncertain significance for Dilated cardiomyopathy 1G; Autosomal recessive limb-girdle muscular dystrophy type 2J. Last evaluated: 2016-07-25. Review status: criteria provided, single submitter. Criteria: Invitae Variant Classification Sherloc (09022015). Collection method: clinical testing. Allele origin: germline.